The following is an entry in ClinVar:

ClinVar aggregate classification (germline): Likely benign. Review status: criteria provided, multiple submitters, no conflicts (2 of 4 stars). 2 submissions from 2 submitters: Likely benign (2). Last evaluated 2024-04-15.

Conditions:
Hypercholesterolemia, autosomal dominant, type B (FHCL2). Also called: Familial hypercholesterolemia 2; Familial Hypercholesterolemia Type B; APOLIPOPROTEIN B-100, FAMILIAL DEFECTIVE; APOLIPOPROTEIN B-100, FAMILIAL LIGAND-DEFECTIVE; HYPERCHOLESTEROLEMIA, FAMILIAL, DUE TO LIGAND-DEFECTIVE APOLIPOPROTEIN B; APOB-Related Familial Hypercholesterolemia, Autosomal Dominant. Identifiers: MedGen C1704417, MONDO:0007751, OMIM 144010.
Familial hypobetalipoproteinemia 1. Also called: Hypobetalipoproteinemia, normotriglyceridemic; Acanthocytosis with hypobetalipoproteinemia; APOB-Related Familial Hypobetalipoproteinemia. Identifiers: MedGen C4551990, MONDO:0014252, OMIM 615558.

Allele frequency attached by ClinVar (database versions not stated): gnomAD 0.00001; ExAC 0.00002; gnomAD exomes 0.00002 and 0.00004; TOPMed 0.00003.
gnomAD v4.1: 26 of 1,613,846 alleles (0.0016%); highest among the groups gnomAD compares: Admixed American, 0.013%; no homozygotes.

Submissions (2):

Labcorp Genetics (formerly Invitae), Labcorp
Classification: Likely benign for Familial hypobetalipoproteinemia 1; Hypercholesterolemia, autosomal dominant, type B. Last evaluated: 2024-04-15. Review status: criteria provided, single submitter. Criteria: Invitae Variant Classification Sherloc (09022015). Collection method: clinical testing. Allele origin: germline.

GeneDx
Classification: Likely benign. Last evaluated: 2018-05-02. Review status: criteria provided, single submitter. Criteria: GeneDx Variant Classification (06012015). Collection method: clinical testing. Allele origin: germline. Affected: yes.
Comment: This variant is considered likely benign or benign based on one or more of the following criteria: it is a conservative change, it occurs at a poorly conserved position in the protein, it is predicted to be benign by multiple in silico algorithms, and/or has population frequency not consistent with disease.

NM_000384.3(APOB):c.818+14T>C

Gene: APOB (apolipoprotein B; minus strand). Cytogenetic location: 2p24.1.
Variant type: single nucleotide variant.
Coding change: c.818+14T>C on transcript NM_000384.3 (MANE Select); 14 bases into the intron after coding-DNA position 818, T replaced by C.
Molecular consequence: intron variant.
Genome position (GRCh38, 1-based): chr2:21,035,570, A>G on the plus strand (T>C on the coding strand, the complement: APOB is on the minus strand). VCF-style: chr2-21035570-A-G. GRCh37 (hg19) VCF-style: chr2-21258442-A-G.
Identifiers: ClinVar variation 334177 (VCV000334177.8), dbSNP rs753032495, ClinGen allele CA065261.